The following is an entry in ClinVar:

NM_182972.3(IRF2BP2):c.898A>G (p.Asn300Asp)

Gene: IRF2BP2 (interferon regulatory factor 2 binding protein 2; minus strand). Cytogenetic location: 1q42.3.
Variant type: single nucleotide variant.
Coding change: c.898A>G on transcript NM_182972.3 (MANE Select); coding-DNA position 898, A replaced by G.
Protein change: p.Asn300Asp; replaces asparagine 300 with aspartic acid.
Molecular consequence: missense variant.
Genome position (GRCh38, 1-based): chr1:234,608,597, T>C on the plus strand (A>G on the coding strand, the complement: IRF2BP2 is on the minus strand). VCF-style: chr1-234608597-T-C. GRCh37 (hg19) VCF-style: chr1-234744343-T-C.
Other names: c.898A>G, p.Asn300Asp (NM_001077397.1); c.898A>G (NM_182972.2); short protein forms N300D.
Identifiers: ClinVar variation 1964599 (VCV001964599.6), dbSNP rs1199787972, ClinGen allele CA345307731.

ClinVar aggregate classification (germline): Uncertain significance. Review status: criteria provided, multiple submitters, no conflicts (2 of 4 stars). 2 submissions from 2 submitters: Uncertain significance (2). Last evaluated 2025-08-26.

Allele frequency attached by ClinVar (database versions not stated): gnomAD 0.00001; TOPMed below 0.00001; gnomAD exomes 0.00002.

Submissions (2):

Ambry Genetics
Classification: Uncertain significance. Last evaluated: 2025-08-26. Review status: criteria provided, single submitter. Criteria: Ambry Variant Classification Scheme 2023. Collection method: clinical testing. Allele origin: germline.

Labcorp Genetics (formerly Invitae), Labcorp
Classification: Uncertain significance. Last evaluated: 2025-03-12. Review status: criteria provided, single submitter. Criteria: Invitae Variant Classification Sherloc (09022015). Collection method: clinical testing. Allele origin: germline.
Comment: This sequence change replaces asparagine, which is neutral and polar, with aspartic acid, which is acidic and polar, at codon 300 of the IRF2BP2 protein (p.Asn300Asp). This variant is present in population databases (no rsID available, gnomAD 0.007%). This variant has not been reported in the literature in individuals affected with IRF2BP2-related conditions. ClinVar contains an entry for this variant (Variation ID: 1964599). An algorithm developed to predict the effect of missense changes on protein structure and function (PolyPhen-2) suggests that this variant is likely to be tolerated. In summary, the available evidence is currently insufficient to determine the role of this variant in disease. Therefore, it has been classified as a Variant of Uncertain Significance.